The following is an entry in ClinVar:

ClinVar aggregate classification (germline): Uncertain significance (1 of 4 stars; one submission).

Conditions:
Carney complex, type 1 (CNC1). Also called: CARNEY MYXOMA-ENDOCRINE COMPLEX; CARNEY COMPLEX, TYPE I. Identifiers: Orphanet 1359, MedGen C2607929, MONDO:0008057, OMIM 160980.

Submission:

Labcorp Genetics (formerly Invitae), Labcorp
Classification: Uncertain significance for Carney complex, type 1. Last evaluated: 2020-04-01. Review status: criteria provided, single submitter. Criteria: Invitae Variant Classification Sherloc (09022015). Collection method: clinical testing. Allele origin: germline.
Comment: In summary, the available evidence is currently insufficient to determine the role of this variant in disease. Therefore, it has been classified as a Variant of Uncertain Significance. Algorithms developed to predict the effect of sequence changes on RNA splicing suggest that this variant may create or strengthen a splice site, but this prediction has not been confirmed by published transcriptional studies. Algorithms developed to predict the effect of missense changes on protein structure and function (SIFT, PolyPhen-2, Align-GVGD) all suggest that this variant is likely to be tolerated, but these predictions have not been confirmed by published functional studies and their clinical significance is uncertain. This variant has not been reported in the literature in individuals with PRKAR1A-related conditions. This variant is not present in population databases (ExAC no frequency). This sequence change replaces alanine with valine at codon 8 of the PRKAR1A protein (p.Ala8Val). The alanine residue is weakly conserved and there is a small physicochemical difference between alanine and valine.

NM_002734.5(PRKAR1A):c.23C>T (p.Ala8Val)

Gene: PRKAR1A (protein kinase cAMP-dependent type I regulatory subunit alpha; plus strand). Cytogenetic location: 17q24.2.
Variant type: single nucleotide variant.
Coding change: c.23C>T on transcript NM_002734.5 (MANE Select); coding-DNA position 23, C replaced by T.
Protein change: p.Ala8Val; replaces alanine 8 with valine.
Molecular consequence: missense variant.
Genome position (GRCh38, 1-based): chr17:68,515,422, C>T. VCF-style: chr17-68515422-C-T. GRCh37 (hg19) VCF-style: chr17-66511563-C-T.
Other names: c.23C>T, p.Ala8Val (NM_001276289.2, NM_001276290.1, NM_001278433.2 and 4 more transcripts); short protein forms A8V.
Identifiers: ClinVar variation 1061937 (VCV001061937.9), dbSNP rs2085400226, ClinGen allele CA400751803.